The following is an entry in ClinVar:

NM_004958.4(MTOR):c.4416C>T (p.Asp1472=)

Gene: MTOR (mechanistic target of rapamycin kinase; minus strand). Cytogenetic location: 1p36.22.
Variant type: single nucleotide variant.
Coding change: c.4416C>T on transcript NM_004958.4 (MANE Select); coding-DNA position 4416, C replaced by T.
Protein change: p.Asp1472=; no amino-acid change (aspartic acid 1472 retained).
Molecular consequence: synonymous variant.
Genome position (GRCh38, 1-based): chr1:11,157,205, G>A on the plus strand (C>T on the coding strand, the complement: MTOR is on the minus strand). VCF-style: chr1-11157205-G-A. GRCh37 (hg19) VCF-style: chr1-11217262-G-A.
Identifiers: ClinVar variation 695527 (VCV000695527.38), dbSNP rs17229193, ClinGen allele CA589647.

ClinVar aggregate classification (germline): Benign/Likely benign. Review status: criteria provided, multiple submitters, no conflicts (2 of 4 stars). 4 submissions from 4 submitters: Benign (2); Likely benign (2). Last evaluated 2026-03-01.

Allele frequency attached by ClinVar (database versions not stated): gnomAD exomes 0.00046; ExAC 0.00068; TOPMed 0.00209; gnomAD 0.00213 and 0.00218; ESP Exome Variant Server 0.00231; 1000 Genomes Project 30x 0.00281; 1000 Genomes Project 0.00300.
gnomAD v4.1: 598 of 1,613,998 alleles (0.037%); highest among the groups gnomAD compares: African/African-American, 0.67%; 4 homozygotes.

Submissions (4):

CeGaT Center for Human Genetics Tuebingen
Classification: Likely benign. Last evaluated: 2026-03-01. Review status: criteria provided, single submitter. Criteria: CeGaT Center For Human Genetics Tuebingen Variant Classification Criteria Version 2. Collection method: clinical testing. Allele origin: germline. Affected: yes. Observed: 3 variant alleles.
Comment: MTOR: BP4, BP7, BS1

Labcorp Genetics (formerly Invitae), Labcorp
Classification: Benign. Last evaluated: 2026-02-02. Review status: criteria provided, single submitter. Criteria: Invitae Variant Classification Sherloc (09022015). Collection method: clinical testing. Allele origin: germline.

Blueprint Genetics
Classification: Likely benign. Last evaluated: 2024-11-05. Review status: criteria provided, single submitter. Criteria: ACMG Guidelines, 2015. Collection method: clinical testing. Allele origin: germline.

GeneDx
Classification: Benign. Last evaluated: 2019-02-01. Review status: criteria provided, single submitter. Criteria: GeneDx Variant Classification Process June 2021. Collection method: clinical testing. Allele origin: germline. Affected: yes.